The following is an entry in ClinVar:

ClinVar aggregate classification (germline): Likely pathogenic. Review status: criteria provided, multiple submitters, no conflicts (2 of 4 stars). 3 submissions from 3 submitters: Likely pathogenic (2). 1 of the submissions does not count toward it. Last evaluated 2025-03-12.

Conditions:
Mitochondrial neurogastrointestinal encephalomyopathy. Also called: Mitochondrial neurogastrointestinal encephalopathy syndrome; MNGIE syndrome; Thymidine phosphorylase deficiency. Identifiers: Orphanet 298, MedGen C0872218, MONDO:0017575.
Mitochondrial DNA depletion syndrome 1. Also called: Mitochondrial neurogastrointestinal encephalomyopathy syndrome; POLIP SYNDROME; POLYNEUROPATHY, OPHTHALMOPLEGIA, LEUKOENCEPHALOPATHY, AND INTESTINAL PSEUDOOBSTRUCTION; Mitochondrial DNA Depletion Syndrome, MNGIE Form; Mitochondrial Neurogastrointestinal Encephalopathy Disease; MITOCHONDRIAL NEUROGASTROINTESTINAL ENCEPHALOPATHY SYNDROME, TYMP-RELATED. Identifiers: Orphanet 298, MedGen C4551995, MONDO:0011283, OMIM 603041.

Allele frequency attached by ClinVar (database versions not stated): TOPMed below 0.00001.
gnomAD v4.1: 1 of 1,514,630 alleles (0.000066%); highest among the groups gnomAD compares: Non-Finnish European, 0.000088%; no homozygotes.

Submissions (3):

Natera, Inc.
Classification: Likely pathogenic for Mitochondrial neurogastrointestinal encephalomyopathy. Last evaluated: 2025-03-12. Review status: criteria provided, single submitter. Criteria: Natera Variant Classification Schema (03/2026). Collection method: clinical testing. Allele origin: germline.
Comment: The c.1301-1G>A variant in TYMP is a canonical splice acceptor site variant predicted to affect pre-mRNA splicing, which may result in an abnormal transcript and altered protein product. This variant may result in a truncated or dysfunctional protein product. This variant is rare in the general population with a frequency below the threshold expected for the associated phenotype(s). This variant has been observed in one or more individuals affected with the associated recessive disease, as either homozygous or compound heterozygous with a second variant (PMID: 17353390, 9924029). Another variant at this same site results in an alteration predicted to cause a similar molecular effect has been observed in individual(s) with the associated phenotype. Given the available evidence, this variant is classified as Likely Pathogenic.

Baylor Genetics
Classification: Likely pathogenic for Mitochondrial DNA depletion syndrome 1. Last evaluated: 2023-08-02. Review status: criteria provided, single submitter. Criteria: ACMG Guidelines, 2015. Collection method: clinical testing. Allele origin: unknown.

GeneReviews
Classification: Pathogenic for Mitochondrial DNA depletion syndrome 1. Last evaluated: 2016-01-14. Review status: no assertion criteria provided. Collection method: literature only. Allele origin: germline. Affected: yes. Not counted in ClinVar's aggregate classification.

Literature cited by the submitters: PubMed 17353390 (cited by Natera, Inc.); PubMed 9924029 (cited by Natera, Inc. and GeneReviews).

NM_001953.5(TYMP):c.1301-1G>A

Genes: SCO2 (synthesis of cytochrome C oxidase 2; minus strand), TYMP (thymidine phosphorylase; minus strand), LOC130067862 (ATAC-STARR-seq lymphoblastoid silent region 13986; plus strand). Cytogenetic location: 22q13.33.
Variant type: single nucleotide variant.
Coding change: c.1301-1G>A on transcript NM_001953.5 (MANE Select); the canonical splice acceptor site of the intron before coding-DNA position 1301, G replaced by A.
Molecular consequence: splice acceptor variant. On other transcripts: intron variant (2).
Genome position (GRCh38, 1-based): chr22:50,525,919, C>T on the plus strand (G>A on the coding strand, the complement: TYMP is on the minus strand). VCF-style: chr22-50525919-C-T. GRCh37 (hg19) VCF-style: chr22-50964348-C-T.
Other names: c.-14+327G>A (NM_001169109.2); c.-14+82G>A (NM_001169110.1); c.1316-1G>A (NM_001257989.1); c.1301-1G>A (NM_001257988.1, NM_001113755.3, NM_001113756.3).
Identifiers: ClinVar variation 223071 (VCV000223071.4), dbSNP rs773785934, ClinGen allele CA16616806.